The following is an entry in ClinVar:

NM_004176.5(SREBF1):c.2214+17_2214+18insGGGGATGGCGGGAGTGGGGAGGGTGGGGGGATTGGGGGTGGGGGGGT

Gene: SREBF1 (sterol regulatory element binding transcription factor 1; minus strand). Cytogenetic location: 17p11.2.
Variant type: Microsatellite.
Coding change: c.2214+17_2214+18insGGGGATGGCGGGAGTGGGGAGGGTGGGGGGATTGGGGGTGGGGGGGT on transcript NM_004176.5 (MANE Select); bases 17 to 18 of the intron after coding-DNA position 2214, GGGGATGGCGGGAGTGGGGAGGGTGGGGGGATTGGGGGTGGGGGGGT inserted.
Molecular consequence: intron variant.
Genome position: GRCh38: chr17:17,816,190-17,816,193. GRCh37 (hg19): chr17:17,719,504-17,719,507.
Other names: c.1782+17_1782+18insGGGGATGGCGGGAGTGGGGAGGGTGGGGGGATTGGGGGTGGGGGGGT (NM_001388394.1); c.2208+17_2208+18insGGGGATGGCGGGAGTGGGGAGGGTGGGGGGATTGGGGGTGGGGGGGT (NM_001388389.1); c.1992+17_1992+18insGGGGATGGCGGGAGTGGGGAGGGTGGGGGGATTGGGGGTGGGGGGGT (NM_001388392.1); c.2169+17_2169+18insGGGGATGGCGGGAGTGGGGAGGGTGGGGGGATTGGGGGTGGGGGGGT (NM_001388388.1); c.2196+17_2196+18insGGGGATGGCGGGAGTGGGGAGGGTGGGGGGATTGGGGGTGGGGGGGT (NM_001388390.1); c.2187+17_2187+18insGGGGATGGCGGGAGTGGGGAGGGTGGGGGGATTGGGGGTGGGGGGGT (NM_001388391.1); c.2253+17_2253+18insGGGGATGGCGGGAGTGGGGAGGGTGGGGGGATTGGGGGTGGGGGGGT (NM_001388387.1); c.1833+17_1833+18insGGGGATGGCGGGAGTGGGGAGGGTGGGGGGATTGGGGGTGGGGGGGT (NM_001388393.1); and 3 more.
Identifiers: ClinVar variation 2647531 (VCV002647531.24), dbSNP rs2033552802.

ClinVar aggregate classification (germline): Benign (1 of 4 stars; one submission).

Submission:

CeGaT Center for Human Genetics Tuebingen
Classification: Benign. Last evaluated: 2025-02-01. Review status: criteria provided, single submitter. Criteria: CeGaT Center For Human Genetics Tuebingen Variant Classification Criteria Version 2. Collection method: clinical testing. Allele origin: germline. Affected: yes. Observed: 6 variant alleles.
Comment: SREBF1: BS1, BS2